The following is an entry in ClinVar:

ClinVar aggregate classification (germline): Benign/Likely benign. Review status: criteria provided, multiple submitters, no conflicts (2 of 4 stars). 4 submissions from 4 submitters: Benign (1); Likely benign (3). Last evaluated 2026-01-29.

Conditions:
Pityriasis rubra pilaris (PRP). Also called: Pityriasis rubra pilaris--familial type. Identifiers: Orphanet 2897, MedGen C0032027, MONDO:0100017, OMIM 173200, MONDO:0008251.
Psoriasis 2. Identifiers: MedGen C1864497, MONDO:0011269, OMIM 602723.

Allele frequency attached by ClinVar (database versions not stated): 1000 Genomes Project 30x 0.00156; 1000 Genomes Project 0.00220; gnomAD exomes 0.00221 and 0.00115; ExAC 0.00331; ESP Exome Variant Server 0.00101; gnomAD 0.00111 and 0.00119; TOPMed 0.00153.
gnomAD v4.1: 1,862 of 1,537,404 alleles (0.12%); highest among the groups gnomAD compares: Middle Eastern, 1.1%; 7 homozygotes.

Submissions (4):

Labcorp Genetics (formerly Invitae), Labcorp
Classification: Benign for Pityriasis rubra pilaris; Psoriasis 2. Last evaluated: 2026-01-29. Review status: criteria provided, single submitter. Criteria: Invitae Variant Classification Sherloc (09022015). Collection method: clinical testing. Allele origin: germline.

Blueprint Genetics
Classification: Likely benign. Last evaluated: 2024-11-27. Review status: criteria provided, single submitter. Criteria: ACMG Guidelines, 2015. Collection method: clinical testing. Allele origin: germline.

Laboratory for Molecular Medicine, Mass General Brigham Personalized Medicine
Classification: Likely benign. Last evaluated: 2016-03-29. Review status: criteria provided, single submitter. Criteria: LMM Criteria. Collection method: clinical testing. Allele origin: germline.
Comment: Variant identified in a genome or exome case(s) and assessed due to predicted null impact of the variant or pathogenic assertions in the literature or databases. Disclaimer: This variant has not undergone full assessment. The following are preliminary notes: Frequency, does not alter splice consensus

Breakthrough Genomics
Classification: Likely benign. Review status: criteria provided, single submitter. Criteria: ACMG Guidelines, 2015. Collection method: not provided. Allele origin: germline. Inheritance: Autosomal dominant inheritance. Affected: yes.

NM_001366385.1(CARD14):c.2691+15G>A

Genes: CARD14 (caspase recruitment domain family member 14; plus strand), SGSH (N-sulfoglucosamine sulfohydrolase; minus strand), LOC126862662 (MED14-independent group 3 enhancer GRCh37_chr17:78178385-78179584; plus strand). Cytogenetic location: 17q25.3.
Variant type: single nucleotide variant.
Coding change: c.2691+15G>A on transcript NM_001366385.1 (MANE Select); 15 bases into the intron after coding-DNA position 2691, G replaced by A.
Molecular consequence: intron variant.
Genome position (GRCh38, 1-based): chr17:80,205,667, G>A. VCF-style: chr17-80205667-G-A. GRCh37 (hg19) VCF-style: chr17-78179466-G-A.
Other names: c.2691+15G>A (NM_024110.4).
Identifiers: ClinVar variation 402488 (VCV000402488.15), dbSNP rs200394665, ClinGen allele CA8817414.